The following is an entry in ClinVar:

ClinVar aggregate classification (germline): Uncertain significance. Review status: criteria provided, multiple submitters, no conflicts (2 of 4 stars). 2 submissions from 2 submitters: Uncertain significance (2). Last evaluated 2025-07-01.

Submissions (2):

CeGaT Center for Human Genetics Tuebingen
Classification: Uncertain significance. Last evaluated: 2025-07-01. Review status: criteria provided, single submitter. Criteria: CeGaT Center For Human Genetics Tuebingen Variant Classification Criteria Version 2. Collection method: clinical testing. Allele origin: germline. Affected: yes. Observed: 1 variant allele.
Comment: KIF1B: PM2, PP3

Ambry Genetics
Classification: Uncertain significance. Last evaluated: 2024-04-04. Review status: criteria provided, single submitter. Criteria: Ambry Variant Classification Scheme 2023. Collection method: clinical testing. Allele origin: germline.
Comment: The p.L1378P variant (also known as c.4133T>C), located in coding exon 37 of the KIF1B gene, results from a T to C substitution at nucleotide position 4133. The leucine at codon 1378 is replaced by proline, an amino acid with similar properties. This amino acid position is conserved. In addition, this alteration is predicted to be deleterious by in silico analysis. Based on the available evidence, the clinical significance of this variant remains unclear.

NM_001365951.3(KIF1B):c.4271T>C (p.Leu1424Pro)

Gene: KIF1B (kinesin family member 1B; plus strand). Cytogenetic location: 1p36.22.
Variant type: single nucleotide variant.
Coding change: c.4271T>C on transcript NM_001365951.3 (MANE Select); coding-DNA position 4271, T replaced by C.
Protein change: p.Leu1424Pro; replaces leucine 1424 with proline.
Molecular consequence: missense variant.
Genome position (GRCh38, 1-based): chr1:10,361,792, T>C. VCF-style: chr1-10361792-T-C. GRCh37 (hg19) VCF-style: chr1-10421850-T-C.
Other names: c.4271T>C, p.Leu1424Pro (NM_001365952.1); c.4133T>C, p.Leu1378Pro (NM_015074.3); short protein forms L1378P, L1424P.
Identifiers: ClinVar variation 3288363 (VCV003288363.9).